The following is an entry in ClinVar:

ClinVar aggregate classification (germline): Uncertain significance (1 of 4 stars; one submission).

gnomAD v4.1: 7 of 1,394,778 alleles (0.0005%); highest among the groups gnomAD compares: African/African-American, 0.0015%; no homozygotes.

Submission:

Labcorp Genetics (formerly Invitae), Labcorp
Classification: Uncertain significance. Last evaluated: 2022-10-26. Review status: criteria provided, single submitter. Criteria: Invitae Variant Classification Sherloc (09022015). Collection method: clinical testing. Allele origin: germline.
Comment: This sequence change replaces proline, which is neutral and non-polar, with arginine, which is basic and polar, at codon 9 of the COL9A3 protein (p.Pro9Arg). This variant is present in population databases (no rsID available, gnomAD 0.003%). This variant has not been reported in the literature in individuals affected with COL9A3-related conditions. Advanced modeling of protein sequence and biophysical properties (such as structural, functional, and spatial information, amino acid conservation, physicochemical variation, residue mobility, and thermodynamic stability) performed at Invitae indicates that this missense variant is not expected to disrupt COL9A3 protein function. In summary, the available evidence is currently insufficient to determine the role of this variant in disease. Therefore, it has been classified as a Variant of Uncertain Significance.

NM_001853.4(COL9A3):c.26C>G (p.Pro9Arg)

Gene: COL9A3 (collagen type IX alpha 3 chain; plus strand). Cytogenetic location: 20q13.33.
Variant type: single nucleotide variant.
Coding change: c.26C>G on transcript NM_001853.4 (MANE Select); coding-DNA position 26, C replaced by G.
Protein change: p.Pro9Arg; replaces proline 9 with arginine.
Molecular consequence: missense variant.
Genome position (GRCh38, 1-based): chr20:62,817,090, C>G. VCF-style: chr20-62817090-C-G. GRCh37 (hg19) VCF-style: chr20-61448442-C-G.
Other names: short protein forms P9R.
Identifiers: ClinVar variation 1943211 (VCV001943211.5), dbSNP rs779116701, ClinGen allele CA409586763.